The following is an entry in ClinVar:

NM_000304.4(PMP22):c.102C>T (p.His34=)

Gene: PMP22 (peripheral myelin protein 22; minus strand). Cytogenetic location: 17p12.
Variant type: single nucleotide variant.
Coding change: c.102C>T on transcript NM_000304.4 (MANE Select); coding-DNA position 102, C replaced by T.
Protein change: p.His34=; no amino-acid change (histidine 34 retained).
Molecular consequence: synonymous variant. On other transcripts: non-coding transcript variant (1).
Genome position (GRCh38, 1-based): chr17:15,259,170, G>A on the plus strand (C>T on the coding strand, the complement: PMP22 is on the minus strand). VCF-style: chr17-15259170-G-A. GRCh37 (hg19) VCF-style: chr17-15162487-G-A.
Other names: c.102C>T (NM_000304.3); c.102C>T, p.His34= (NM_001281455.2, NM_001281456.2, NM_001330143.2 and 2 more transcripts).
Identifiers: ClinVar variation 1140544 (VCV001140544.9), dbSNP rs779654897, ClinGen allele CA8403427.
Genomic context (GRCh38, chr17:15,259,170, plus strand): 5'-GAAACAGTGGTGGACATTTCCTGAGGAAGAGGTGCTACAGTTCTGCCAGAGATCAGTTGC[G>A]TGTCCATTGCCCACGATCCATTGCTAGAGAGAATCAGATAGATATCCTGAGTCAGGGAGG-3'
Protein context (NP_000295.1, residues 24-44): IVSQWIVGNG[His34=]ATDLWQNCST

ClinVar aggregate classification (germline): Likely benign. Review status: criteria provided, single submitter (1 of 4 stars). 2 submissions from 2 submitters: Likely benign (1). 1 of the submissions does not count toward it. Last evaluated 2025-08-11.

Conditions:
PMP22-related disorder. Also called: PMP22-related disorders; PMP22-related condition.
Charcot-Marie-Tooth disease, type I (CMT1). Also called: Charcot-Marie-Tooth disease type 1; Charcot-Marie-Tooth, Type 1. Identifiers: Orphanet 65753, MedGen C0751036, MONDO:0019011.

Allele frequency attached by ClinVar (database versions not stated): gnomAD 0.00001; TOPMed 0.00002.
gnomAD v4.1: 59 of 1,613,262 alleles (0.0037%); highest among the groups gnomAD compares: East Asian, 0.085%; no homozygotes.

Submissions (2):

Labcorp Genetics (formerly Invitae), Labcorp
Classification: Likely benign for Charcot-Marie-Tooth disease, type I. Last evaluated: 2025-08-11. Review status: criteria provided, single submitter. Criteria: Invitae Variant Classification Sherloc (09022015). Collection method: clinical testing. Allele origin: germline.

PreventionGenetics, part of Exact Sciences
Classification: Likely benign for PMP22-related condition. Last evaluated: 2019-08-15. Review status: no assertion criteria provided. Collection method: clinical testing. Allele origin: germline. Not counted in ClinVar's aggregate classification.
Comment: This variant is classified as likely benign based on ACMG/AMP sequence variant interpretation guidelines (Richards et al. 2015 PMID: 25741868, with internal and published modifications).